The following is an entry in ClinVar:

NM_001943.5(DSG2):c.3160G>C (p.Ala1054Pro)

Genes: DSG2 (desmoglein 2; plus strand), DSG2-AS1 (DSG2 antisense RNA 1; minus strand). Cytogenetic location: 18q12.1.
Variant type: single nucleotide variant.
Coding change: c.3160G>C on transcript NM_001943.5 (MANE Select); coding-DNA position 3160, G replaced by C.
Protein change: p.Ala1054Pro; replaces alanine 1054 with proline.
Molecular consequence: missense variant.
Genome position (GRCh38, 1-based): chr18:31,546,546, G>C. VCF-style: chr18-31546546-G-C. GRCh37 (hg19) VCF-style: chr18-29126509-G-C.
Other names: short protein forms A1054P.
Identifiers: ClinVar variation 2914344 (VCV002914344.5), dbSNP rs2510922786, ClinGen allele CA402148748.

ClinVar aggregate classification (germline): Uncertain significance. Review status: criteria provided, multiple submitters, no conflicts (2 of 4 stars). 3 submissions from 3 submitters: Uncertain significance (3). Last evaluated 2026-03-25.

Conditions:
Arrhythmogenic right ventricular cardiomyopathy (ARVD). Also called: Arrhythmogenic right ventricular dysplasia; Cardiomyopathy, ARVC; Arrhythmogenic cardiomyopathy; Arrhythmogenic Right Ventricular Cardiomyopathy (ARVC). Identifiers: Orphanet 247, MedGen C0349788, MeSH D019571, MONDO:0016587. Disease mechanism: loss of function. Inheritance: Various modes of inheritance.
Arrhythmogenic right ventricular dysplasia 10. Also called: ARRHYTHMOGENIC RIGHT VENTRICULAR DYSPLASIA, FAMILIAL, 10; Arrhythmogenic Right Ventricular Dysplasia/Cardiomyopathy10; Arrhythmogenic right ventricular dysplasia/cardiomyopathy, type 10. Identifiers: MedGen C1857777, MONDO:0012434, OMIM 610193.

Submissions (3):

GeneDx
Classification: Uncertain significance. Last evaluated: 2026-03-25. Review status: criteria provided, single submitter. Criteria: GeneDx Variant Classification Process June 2021. Collection method: clinical testing. Allele origin: germline.
Comment: Not observed at significant frequency in large population cohorts (gnomAD); In silico analysis suggests that this missense variant does not alter protein structure/function; Has not been previously published as pathogenic or benign to our knowledge

All of Us Research Program, National Institutes of Health
Classification: Uncertain significance for Arrhythmogenic right ventricular cardiomyopathy. Last evaluated: 2023-08-28. Review status: criteria provided, single submitter. Criteria: ACMG Guidelines, 2015. Collection method: clinical testing. Allele origin: germline. Inheritance: Autosomal dominant inheritance. Observed: 1 variant allele, 1 heterozygote.
Comment: This missense variant replaces alanine with proline at codon 1054 of the DSG2 protein. Computational prediction suggests that this variant may not impact protein structure and function (internally defined REVEL score threshold <= 0.5, PMID: 27666373). To our knowledge, functional studies have not been reported for this variant. This variant has not been reported in individuals affected with DSG2-related disorders in the literature. This variant has not been identified in the general population by the Genome Aggregation Database (gnomAD). The available evidence is insufficient to determine the role of this variant in disease conclusively. Therefore, this variant is classified as a Variant of Uncertain Significance.

This study involves interpretation of variants in research participants for the purpose of population health screening. Participant phenotype was not available at the time of variant classification. Additional details can be found in publication PMID: 35346344, PMCID: PMC8962531

Labcorp Genetics (formerly Invitae), Labcorp
Classification: Uncertain significance for Arrhythmogenic right ventricular dysplasia 10. Last evaluated: 2023-02-18. Review status: criteria provided, single submitter. Criteria: Invitae Variant Classification Sherloc (09022015). Collection method: clinical testing. Allele origin: germline.
Comment: In summary, the available evidence is currently insufficient to determine the role of this variant in disease. Therefore, it has been classified as a Variant of Uncertain Significance. Advanced modeling of protein sequence and biophysical properties (such as structural, functional, and spatial information, amino acid conservation, physicochemical variation, residue mobility, and thermodynamic stability) performed at Invitae indicates that this missense variant is not expected to disrupt DSG2 protein function. This variant has not been reported in the literature in individuals affected with DSG2-related conditions. This variant is not present in population databases (gnomAD no frequency). This sequence change replaces alanine, which is neutral and non-polar, with proline, which is neutral and non-polar, at codon 1054 of the DSG2 protein (p.Ala1054Pro).